The following is an entry in ClinVar:

NM_000489.6(ATRX):c.48G>A (p.Gln16=)

Gene: ATRX (ATRX chromatin remodeler; minus strand). Cytogenetic location: Xq21.1.
Variant type: single nucleotide variant.
Coding change: c.48G>A on transcript NM_000489.6 (MANE Select); coding-DNA position 48, G replaced by A.
Protein change: p.Gln16=; no amino-acid change (glutamine 16 retained).
Molecular consequence: synonymous variant.
Genome position (GRCh38, 1-based): chrX:77,717,216, C>T on the plus strand (G>A on the coding strand, the complement: ATRX is on the minus strand). VCF-style: chrX-77717216-C-T. GRCh37 (hg19) VCF-style: chrX-76972693-C-T.
Other names: c.48G>A, p.Gln16= (NM_138270.5); c.48G>A (NM_000489.3).
Identifiers: ClinVar variation 1102284 (VCV001102284.11), dbSNP rs2148752584, ClinGen allele CA517379608.

ClinVar aggregate classification (germline): Conflicting classifications of pathogenicity. Review status: criteria provided, conflicting classifications (1 of 4 stars). 2 submissions from 2 submitters: Uncertain significance (1); Likely benign (1). Last evaluated 2025-06-12.

Conditions:
Alpha thalassemia-X-linked intellectual disability syndrome (ATRX). Also called: ALPHA-THALASSEMIA/MENTAL RETARDATION SYNDROME, X-LINKED; ATR, NONDELETION TYPE; ATR-X syndrome; Alpha thalassemia mental retardation syndrome, nondeletion type, X-linked; XLMR hypotonic face syndrome; X-linked alpha-thalassemia-mental retardation syndrome. Identifiers: Orphanet 847, MedGen C1845055, MONDO:0010519, OMIM 301040.

Submissions (2):

GeneDx
Classification: Uncertain significance. Last evaluated: 2025-06-12. Review status: criteria provided, single submitter. Criteria: GeneDx Variant Classification Process June 2021. Collection method: clinical testing. Allele origin: germline.
Comment: Not observed at significant frequency in large population cohorts (gnomAD); In silico analysis suggests that this variant does not alter splicing; Has not been previously published as pathogenic or benign to our knowledge

Labcorp Genetics (formerly Invitae), Labcorp
Classification: Likely benign for Alpha thalassemia-X-linked intellectual disability syndrome. Last evaluated: 2025-01-27. Review status: criteria provided, single submitter. Criteria: Invitae Variant Classification Sherloc (09022015). Collection method: clinical testing. Allele origin: germline.